The following is an entry in ClinVar:

ClinVar aggregate classification (germline): Benign/Likely benign. Review status: criteria provided, multiple submitters, no conflicts (2 of 4 stars). 11 submissions from 11 submitters: Benign (1); Likely benign (8). 2 of the submissions do not count toward it. Last evaluated 2026-04-01.

Conditions:
PALB2-related disorder. Also called: PALB2-related condition; PALB2-related disorders.
Breast and/or ovarian cancer. Identifiers: MedGen CN221562.
Hereditary cancer-predisposing syndrome. Also called: Tumor predisposition; Hereditary neoplastic syndrome; Neoplastic Syndromes, Hereditary; Hereditary Cancer Syndrome. Identifiers: Orphanet 140162, MedGen C0027672, MeSH D009386, MONDO:0015356.
Familial cancer of breast. Also called: Hereditary breast cancer; hereditary breast carcinoma; BREAST CANCER, FAMILIAL. Identifiers: Orphanet 227535, MedGen C0346153, MONDO:0016419, OMIM 114480. Disease mechanism: loss of function.

Allele frequency attached by ClinVar (database versions not stated): TOPMed below 0.00001; gnomAD exomes 0.00001 and 0.00002.
gnomAD v4.1: 14 of 1,614,112 alleles (0.00087%); highest among the groups gnomAD compares: South Asian, 0.0077%; no homozygotes.

Submissions (11):

CeGaT Center for Human Genetics Tuebingen
Classification: Likely benign. Last evaluated: 2026-04-01. Review status: criteria provided, single submitter. Criteria: CeGaT Center For Human Genetics Tuebingen Variant Classification Criteria Version 2. Collection method: clinical testing. Allele origin: germline. Affected: yes. Observed: 1 variant allele.
Comment: PALB2: BP4, BP7

Labcorp Genetics (formerly Invitae), Labcorp
Classification: Likely benign for Familial cancer of breast. Last evaluated: 2025-09-27. Review status: criteria provided, single submitter. Criteria: Invitae Variant Classification Sherloc (09022015). Collection method: clinical testing. Allele origin: germline.

Center for Genomic Medicine, Rigshospitalet, Copenhagen University Hospital
Classification: Likely benign. Last evaluated: 2025-03-04. Review status: criteria provided, single submitter. Criteria: ACMG Guidelines, 2015. Collection method: clinical testing. Allele origin: germline.

Myriad Genetics, Inc.
Classification: Benign for Familial cancer of breast. Last evaluated: 2025-01-14. Review status: criteria provided, single submitter. Criteria: Myriad Autosomal Dominant, Autosomal Recessive and X-Linked Classification Criteria (2023). Collection method: clinical testing. Allele origin: unknown.
Comment: This variant is considered benign. This variant is a silent/synonymous amino acid change and it is not expected to impact splicing.

CHEO Genetics Diagnostic Laboratory, Children's Hospital of Eastern Ontario
Classification: Likely benign for Breast and/or ovarian cancer. Last evaluated: 2022-11-23. Review status: criteria provided, single submitter. Criteria: ACMG Guidelines, 2015. Collection method: clinical testing. Allele origin: germline.

Sema4
Classification: Likely benign for Hereditary cancer-predisposing syndrome. Last evaluated: 2022-03-05. Review status: criteria provided, single submitter. Criteria: Sema4 Curation Guidelines. Collection method: curation. Allele origin: germline.

GeneDx
Classification: Likely benign. Last evaluated: 2018-05-04. Review status: criteria provided, single submitter. Criteria: GeneDx Variant Classification (06012015). Collection method: clinical testing. Allele origin: germline. Affected: yes.
Comment: This variant is considered likely benign or benign based on one or more of the following criteria: it is a conservative change, it occurs at a poorly conserved position in the protein, it is predicted to be benign by multiple in silico algorithms, and/or has population frequency not consistent with disease.

Color Diagnostics, LLC DBA Color Health
Classification: Likely benign for Hereditary cancer-predisposing syndrome. Last evaluated: 2017-03-27. Review status: criteria provided, single submitter. Criteria: ACMG Guidelines, 2015. Collection method: clinical testing. Allele origin: germline.

Ambry Genetics
Classification: Likely benign for Hereditary cancer-predisposing syndrome. Last evaluated: 2015-06-09. Review status: criteria provided, single submitter. Criteria: Ambry Variant Classification Scheme 2023. Collection method: clinical testing. Allele origin: germline.

PreventionGenetics, part of Exact Sciences
Classification: Likely benign for PALB2-related condition. Last evaluated: 2019-06-18. Review status: no assertion criteria provided. Collection method: clinical testing. Allele origin: germline. Not counted in ClinVar's aggregate classification.
Comment: This variant is classified as likely benign based on ACMG/AMP sequence variant interpretation guidelines (Richards et al. 2015 PMID: 25741868, with internal and published modifications).

Leiden Open Variation Database
Classification: Likely benign for Familial cancer of breast. Last evaluated: 2019-05-13. Review status: no assertion criteria provided. Collection method: curation. Allele origin: germline. Affected: yes. Not counted in ClinVar's aggregate classification.
Comment: Curators: Marc Tischkowitz, Arleen D. Auerbach. Submitter to LOVD: Marc Tischkowitz.

Literature cited by the submitters: PubMed 19635604 (cited by Sema4 and Leiden Open Variation Database).

NM_024675.4(PALB2):c.1743A>G (p.Leu581=)

Gene: PALB2 (partner and localizer of BRCA2; minus strand). Cytogenetic location: 16p12.2.
Variant type: single nucleotide variant.
Coding change: c.1743A>G on transcript NM_024675.4 (MANE Select); coding-DNA position 1743, A replaced by G.
Protein change: p.Leu581=; no amino-acid change (leucine 581 retained).
Molecular consequence: synonymous variant.
Genome position (GRCh38, 1-based): chr16:23,630,411, T>C on the plus strand (A>G on the coding strand, the complement: PALB2 is on the minus strand). VCF-style: chr16-23630411-T-C. GRCh37 (hg19) VCF-style: chr16-23641732-T-C.
Identifiers: ClinVar variation 126624 (VCV000126624.30), dbSNP rs180177105, ClinGen allele CA269512.
Genomic context (GRCh38, chr16:23,630,411, plus strand): 5'-CTTTAAACTCAGCATTCCATCCCTATGAAATGGAGCCGTGAAAGCATCATCATCCAAGGA[T>C]AAATAAGCACTATTACTCCAAGAAAGGGAATCCTCTTTTTGATGACGACTTTTCTTCCCT-3'
Protein context (NP_078951.2, residues 571-591): DSLSWSNSAY[Leu581=]SLDDDAFTAP